The following is an entry in ClinVar:

ClinVar aggregate classification (germline): Likely benign. Review status: criteria provided, multiple submitters, no conflicts (2 of 4 stars). 2 submissions from 2 submitters: Likely benign (2). Last evaluated 2024-11-09.

Conditions:
ABCA4-related disorder. Also called: ABCA4-related disorders; ABCA4-related condition. Identifiers: MedGen CN239167.

Allele frequency attached by ClinVar (database versions not stated): TOPMed 0.00002; ExAC 0.00003; gnomAD exomes 0.00003; gnomAD 0.00005 and 0.00006.
gnomAD v4.1: 30 of 1,614,066 alleles (0.0019%); highest among the groups gnomAD compares: Non-Finnish European, 0.00076%; no homozygotes.

Submissions (2):

PreventionGenetics, part of Exact Sciences
Classification: Likely benign for ABCA4-related condition. Last evaluated: 2024-11-09. Review status: criteria provided, single submitter. Criteria: ACMG Guidelines, 2015. Collection method: clinical testing. Allele origin: germline.
Comment: This variant is classified as likely benign based on ACMG/AMP sequence variant interpretation guidelines (Richards et al. 2015 PMID: 25741868, with internal and published modifications).

Labcorp Genetics (formerly Invitae), Labcorp
Classification: Likely benign. Last evaluated: 2024-01-03. Review status: criteria provided, single submitter. Criteria: Invitae Variant Classification Sherloc (09022015). Collection method: clinical testing. Allele origin: germline.

NM_000350.3(ABCA4):c.6357A>G (p.Glu2119=)

Gene: ABCA4 (ATP binding cassette subfamily A member 4; minus strand). Cytogenetic location: 1p22.1.
Variant type: single nucleotide variant.
Coding change: c.6357A>G on transcript NM_000350.3 (MANE Select); coding-DNA position 6357, A replaced by G.
Protein change: p.Glu2119=; no amino-acid change (glutamic acid 2119 retained).
Molecular consequence: synonymous variant.
Genome position (GRCh38, 1-based): chr1:94,001,031, T>C on the plus strand (A>G on the coding strand, the complement: ABCA4 is on the minus strand). VCF-style: chr1-94001031-T-C. GRCh37 (hg19) VCF-style: chr1-94466587-T-C.
Other names: c.6135A>G, p.Glu2045= (NM_001425324.1); c.6357A>G (NM_000350.2).
Identifiers: ClinVar variation 1150480 (VCV001150480.10), dbSNP rs773146370, ClinGen allele CA956895.